The following is an entry in ClinVar:

NM_206933.4(USH2A):c.13210del (p.Leu4404fs)

Gene: USH2A (usherin; minus strand). Cytogenetic location: 1q41.
Variant type: Deletion.
Coding change: c.13210del on transcript NM_206933.4 (MANE Select); coding-DNA position 13210, one base deleted (C; older notation c.13210delC).
Protein change: p.Leu4404fs; shifts the reading frame from leucine 4404.
Molecular consequence: frameshift variant.
Genome position (GRCh38, 1-based): chr1:215,674,701, G deleted on the plus strand (C on the coding strand, the reverse complement: USH2A is on the minus strand); the first of 2 consecutive G bases (chr1:215,674,701-215,674,702); deleting either gives the same sequence. VCF-style (leftmost placement, unchanged base first): chr1-215674700-AG-A. GRCh37 (hg19) VCF-style: chr1-215848042-AG-A.
Other names: c.13210delC (NM_206933.2); short protein forms L4404fs.
Identifiers: ClinVar variation 1351478 (VCV001351478.9), dbSNP rs1190020491, ClinGen allele CA731335959.

ClinVar aggregate classification (germline): Pathogenic/Likely pathogenic. Review status: criteria provided, multiple submitters, no conflicts (2 of 4 stars). 4 submissions from 4 submitters: Pathogenic (1); Likely pathogenic (3). Last evaluated 2025-12-03.

Conditions:
Usher syndrome type 2A. Also called: USHER SYNDROME, TYPE IIA; RETINAL DISEASE IN USHER SYNDROME TYPE IIA, MODIFIER OF. Identifiers: Orphanet 231178, Orphanet 886, MedGen C1848634, MONDO:0010169, OMIM 276901.
Retinitis pigmentosa 39 (RP39). Identifiers: Orphanet 791, MedGen C3151138, MONDO:0013436, OMIM 613809.

Submissions (4):

Labcorp Genetics (formerly Invitae), Labcorp
Classification: Pathogenic. Last evaluated: 2025-12-03. Review status: criteria provided, single submitter. Criteria: Invitae Variant Classification Sherloc (09022015). Collection method: clinical testing. Allele origin: germline.
Comment: This sequence change creates a premature translational stop signal (p.Leu4404Cysfs*19) in the USH2A gene. It is expected to result in an absent or disrupted protein product. Loss-of-function variants in USH2A are known to be pathogenic (PMID: 10729113, 10909849, 20507924, 25649381). This variant is not present in population databases (gnomAD no frequency). This variant has not been reported in the literature in individuals affected with USH2A-related conditions. ClinVar contains an entry for this variant (Variation ID: 1351478). For these reasons, this variant has been classified as Pathogenic.

Natera, Inc.
Classification: Likely pathogenic for Usher syndrome type 2A. Last evaluated: 2024-11-24. Review status: criteria provided, single submitter. Criteria: Natera Variant Classification Schema (03/2026). Collection method: clinical testing. Allele origin: germline.
Comment: The c.13210delC variant in USH2A is a frameshift variant predicted to shift the reading frame beginning at codon 4404 and leads to a stop codon 19 codons downstream. This variant is expected to result in nonsense mediated decay, truncation, or a dysfunctional protein product. This variant is rare in the general population with a frequency below the threshold expected for the associated phenotype(s). Given the available evidence, this variant is classified as Likely Pathogenic.

Fulgent Genetics
Classification: Likely pathogenic for Usher syndrome type 2A; Retinitis pigmentosa 39. Last evaluated: 2024-04-08. Review status: criteria provided, single submitter. Criteria: ACMG Guidelines, 2015. Collection method: clinical testing. Allele origin: germline.

Baylor Genetics
Classification: Likely pathogenic for Retinitis pigmentosa 39. Last evaluated: 2023-10-21. Review status: criteria provided, single submitter. Criteria: ACMG Guidelines, 2015. Collection method: clinical testing. Allele origin: unknown.

Literature cited by the submitters: PubMed 10729113 (cited by Labcorp Genetics (formerly Invitae), Labcorp); PubMed 10909849 (cited by Labcorp Genetics (formerly Invitae), Labcorp); PubMed 20507924 (cited by Labcorp Genetics (formerly Invitae), Labcorp); PubMed 25649381 (cited by Labcorp Genetics (formerly Invitae), Labcorp).